The following is an entry in ClinVar:

NM_001148.6(ANK2):c.3829A>T (p.Thr1277Ser)

Gene: ANK2 (ankyrin 2; plus strand). Cytogenetic location: 4q26.
Variant type: single nucleotide variant.
Coding change: c.3829A>T on transcript NM_001148.6 (MANE Select); coding-DNA position 3829, A replaced by T.
Protein change: p.Thr1277Ser; replaces threonine 1277 with serine.
Molecular consequence: missense variant.
Genome position (GRCh38, 1-based): chr4:113,339,258, A>T. VCF-style: chr4-113339258-A-T. GRCh37 (hg19) VCF-style: chr4-114260414-A-T.
Other names: c.3802A>T, p.Thr1268Ser (NM_001127493.3); c.3841A>T, p.Thr1281Ser (NM_001354225.2); c.3730A>T, p.Thr1244Ser (NM_001354228.2, NM_001354258.2); c.3808A>T, p.Thr1270Ser (NM_001354230.2); c.3871A>T, p.Thr1291Ser (NM_001354231.2, NM_001354242.2); c.3865A>T, p.Thr1289Ser (NM_001354232.2); c.3826A>T, p.Thr1276Ser (NM_001354235.2, NM_001354246.2, NM_001354265.2); c.3727A>T, p.Thr1243Ser (NM_001354236.2); and 31 more; short protein forms T1268S, T1277S, T1149S, T1190S, T1202S, T1206S, T1243S, T1256S.
Identifiers: ClinVar variation 432941 (VCV000432941.14), dbSNP rs1385787370, ClinGen allele CA357906513.

ClinVar aggregate classification (germline): Uncertain significance. Review status: criteria provided, multiple submitters, no conflicts (2 of 4 stars). 3 submissions from 3 submitters: Uncertain significance (3). Last evaluated 2026-02-02.

Conditions:
Long QT syndrome (LQTS). Identifiers: MedGen C0023976, MeSH D008133, MONDO:0002442. Disease mechanism: loss of function. Inheritance: Various modes of inheritance.
Cardiovascular phenotype. Identifiers: MedGen CN230736.

Allele frequency attached by ClinVar (database versions not stated): TOPMed 0.00002; gnomAD 0.00003; gnomAD exomes 0.00001.
gnomAD v4.1: 16 of 1,613,906 alleles (0.00099%); highest among the groups gnomAD compares: Non-Finnish European, 0.0014%; no homozygotes.

Submissions (3):

Labcorp Genetics (formerly Invitae), Labcorp
Classification: Uncertain significance for Long QT syndrome. Last evaluated: 2026-02-02. Review status: criteria provided, single submitter. Criteria: Invitae Variant Classification Sherloc (09022015). Collection method: clinical testing. Allele origin: germline.
Comment: This sequence change replaces threonine, which is neutral and polar, with serine, which is neutral and polar, at codon 1277 of the ANK2 protein (p.Thr1277Ser). This variant is present in population databases (no rsID available, gnomAD 0.007%). This variant has not been reported in the literature in individuals affected with ANK2-related conditions. ClinVar contains an entry for this variant (Variation ID: 432941). Invitae Evidence Modeling of protein sequence and biophysical properties (such as structural, functional, and spatial information, amino acid conservation, physicochemical variation, residue mobility, and thermodynamic stability) has been performed for this missense variant. However, the output from this modeling did not meet the statistical confidence thresholds required to predict the impact of this variant on ANK2 protein function. In summary, the available evidence is currently insufficient to determine the role of this variant in disease. Therefore, it has been classified as a Variant of Uncertain Significance.

Ambry Genetics
Classification: Uncertain significance for Cardiovascular phenotype. Last evaluated: 2024-09-02. Review status: criteria provided, single submitter. Criteria: Ambry Variant Classification Scheme 2023. Collection method: clinical testing. Allele origin: germline.
Comment: The p.T1277S variant (also known as c.3829A>T), located in coding exon 32 of the ANK2 gene, results from an A to T substitution at nucleotide position 3829. The threonine at codon 1277 is replaced by serine, an amino acid with similar properties. This amino acid position is highly conserved in available vertebrate species. In addition, the in silico prediction for this alteration is inconclusive. Since supporting evidence is limited at this time, the clinical significance of this alteration remains unclear.

GeneDx
Classification: Uncertain significance. Last evaluated: 2017-06-26. Review status: criteria provided, single submitter. Criteria: GeneDx Variant Classification (06012015). Collection method: clinical testing. Allele origin: germline. Affected: yes.
Comment: A variant of uncertain significance has been identified in the ANK2 gene. The T1277S variant has not been published as pathogenic or been reported as benign to our knowledge. Furthermore, it is not observed in large population cohorts (Lek et al., 2016). This substitution occurs at a position that is conserved across species, and in silico analysis predicts this variant is probably damaging to the protein structure/function. However, the T1277S variant is a conservative amino acid substitution, which is not likely to impact secondary protein structure as these residues share similar properties.